The following is an entry in ClinVar:

ClinVar aggregate classification (germline): Uncertain significance. Review status: criteria provided, multiple submitters, no conflicts (2 of 4 stars). 2 submissions from 2 submitters: Uncertain significance (2). Last evaluated 2026-05-05.

Conditions:
Inborn genetic diseases. Identifiers: MedGen C0950123, MeSH D030342.

Submissions (2):

Women's Health and Genetics/Laboratory Corporation of America, LabCorp
Classification: Uncertain significance. Last evaluated: 2026-05-05. Review status: criteria provided, single submitter. Criteria: LabCorp Variant Classification Summary - May 2015. Collection method: clinical testing. Allele origin: germline.
Comment: Variant summary: VPS13A c.961G>A (p.Val321Met) results in a conservative amino acid change in the encoded protein sequence. Algorithms developed to predict the effect of missense changes on protein structure and function are either unavailable or do not agree on the potential impact of this missense change. The variant was absent in 250280 control chromosomes. The available data on variant occurrences in the general population are insufficient to allow any conclusion about variant significance. To our knowledge, no occurrence of c.961G>A in individuals affected with VPS13A-related conditions and no experimental evidence demonstrating its impact on protein function have been reported. ClinVar contains an entry for this variant (Variation ID: 2510174). Based on the evidence outlined above, the variant was classified as uncertain significance.

Ambry Genetics
Classification: Uncertain significance for Inborn genetic diseases. Last evaluated: 2023-05-22. Review status: criteria provided, single submitter. Criteria: Ambry Variant Classification Scheme 2023. Collection method: clinical testing. Allele origin: germline.

NM_033305.3(VPS13A):c.961G>A (p.Val321Met)

Gene: VPS13A (vacuolar protein sorting 13 homolog A; plus strand). Cytogenetic location: 9q21.2.
Variant type: single nucleotide variant.
Coding change: c.961G>A on transcript NM_033305.3 (MANE Select); coding-DNA position 961, G replaced by A.
Protein change: p.Val321Met; replaces valine 321 with methionine.
Molecular consequence: missense variant.
Genome position (GRCh38, 1-based): chr9:77,220,355, G>A. VCF-style: chr9-77220355-G-A. GRCh37 (hg19) VCF-style: chr9-79835271-G-A.
Other names: c.961G>A, p.Val321Met (NM_001018037.2, NM_001018038.3, NM_015186.4); short protein forms V321M.
Identifiers: ClinVar variation 2510174 (VCV002510174.3), dbSNP rs1307163230, ClinGen allele CA373843564.